The following is an entry in ClinVar:

ClinVar aggregate classification (germline): Uncertain significance (1 of 4 stars; one submission).

Conditions:
Dyskeratosis congenita, autosomal recessive 6 (DKCB6). Identifiers: MedGen C4225356, MONDO:0014600, OMIM 616353.
Pulmonary fibrosis and/or bone marrow failure, Telomere-related, 4. Also called: PULMONARY FIBROSIS AND/OR BONE MARROW FAILURE SYNDROME, TELOMERE-RELATED, 4. Identifiers: Orphanet 2032, MedGen C4225347, MONDO:0014612, OMIM 616371.

Allele frequency attached by ClinVar (database versions not stated): TOPMed below 0.00001; gnomAD 0.00001.
gnomAD v4.1: 1 of 1,601,186 alleles (0.000062%); highest among the groups gnomAD compares: Admixed American, 0.0017%; no homozygotes.

Submission:

Labcorp Genetics (formerly Invitae), Labcorp
Classification: Uncertain significance for Dyskeratosis congenita, autosomal recessive 6; Pulmonary fibrosis and/or bone marrow failure, Telomere-related, 4. Last evaluated: 2023-09-04. Review status: criteria provided, single submitter. Criteria: Invitae Variant Classification Sherloc (09022015). Collection method: clinical testing. Allele origin: germline.
Comment: In summary, the available evidence is currently insufficient to determine the role of this variant in disease. Therefore, it has been classified as a Variant of Uncertain Significance. An algorithm developed to predict the effect of missense changes on protein structure and function (PolyPhen-2) suggests that this variant is likely to be disruptive. This variant has not been reported in the literature in individuals affected with PARN-related conditions. This variant is not present in population databases (gnomAD no frequency). This sequence change replaces leucine, which is neutral and non-polar, with arginine, which is basic and polar, at codon 632 of the PARN protein (p.Leu632Arg).

NM_002582.4(PARN):c.1895T>G (p.Leu632Arg)

Gene: PARN (poly(A)-specific ribonuclease; minus strand). Cytogenetic location: 16p13.12.
Variant type: single nucleotide variant.
Coding change: c.1895T>G on transcript NM_002582.4 (MANE Select); coding-DNA position 1895, T replaced by G.
Protein change: p.Leu632Arg; replaces leucine 632 with arginine.
Molecular consequence: missense variant.
Genome position (GRCh38, 1-based): chr16:14,436,742, A>C on the plus strand (T>G on the coding strand, the complement: PARN is on the minus strand). VCF-style: chr16-14436742-A-C. GRCh37 (hg19) VCF-style: chr16-14530599-A-C.
Other names: c.1712T>G, p.Leu571Arg (NM_001134477.3); c.1757T>G, p.Leu586Arg (NM_001242992.2); short protein forms L571R, L586R, L632R.
Identifiers: ClinVar variation 2951512 (VCV002951512.3), dbSNP rs1960718749, ClinGen allele CA395183213.
Genomic context (GRCh38, chr16:14,436,742, plus strand): 5'-GACAGCACCAGCGGTTTGCTGCCCTCAGGTCTTGGTTACCATGTGTCAGGAACTTCAAAG[A>C]GTGTGGCAGGGCTGTTCTTCGAGATGCTTCCTGGTGGGAAAGAACAAAACAATATGAACA-3'
Protein context (NP_002573.1, residues 622-639): GSISKNSPAT[Leu632Arg]FEVPDTW